The following is an entry in ClinVar:

ClinVar aggregate classification (germline): Uncertain significance (1 of 4 stars; one submission).

Conditions:
L-2-hydroxyglutaric aciduria (L2HGA). Identifiers: Orphanet 79314, MedGen C1855995, MONDO:0009370, OMIM 236792, HP:0040144.

Allele frequency attached by ClinVar (database versions not stated): TOPMed below 0.00001; ExAC 0.00002; gnomAD exomes 0.00002.
gnomAD v4.1: 9 of 1,614,120 alleles (0.00056%); highest among the groups gnomAD compares: Admixed American, 0.013%; no homozygotes.

Submission:

Labcorp Genetics (formerly Invitae), Labcorp
Classification: Uncertain significance for L-2-hydroxyglutaric aciduria. Last evaluated: 2023-10-04. Review status: criteria provided, single submitter. Criteria: Invitae Variant Classification Sherloc (09022015). Collection method: clinical testing. Allele origin: germline.
Comment: This sequence change replaces glycine, which is neutral and non-polar, with arginine, which is basic and polar, at codon 426 of the L2HGDH protein (p.Gly426Arg). This variant is present in population databases (rs754872991, gnomAD 0.02%). This variant has not been reported in the literature in individuals affected with L2HGDH-related conditions. An algorithm developed to predict the effect of missense changes on protein structure and function (PolyPhen-2) suggests that this variant is likely to be disruptive. Algorithms developed to predict the effect of sequence changes on RNA splicing suggest that this variant may disrupt the consensus splice site. In summary, the available evidence is currently insufficient to determine the role of this variant in disease. Therefore, it has been classified as a Variant of Uncertain Significance.

NM_024884.3(L2HGDH):c.1276G>A (p.Gly426Arg)

Gene: L2HGDH (L-2-hydroxyglutarate dehydrogenase; minus strand). Cytogenetic location: 14q21.3.
Variant type: single nucleotide variant.
Coding change: c.1276G>A on transcript NM_024884.3 (MANE Select); coding-DNA position 1276, G replaced by A.
Protein change: p.Gly426Arg; replaces glycine 426 with arginine.
Molecular consequence: missense variant.
Genome position (GRCh38, 1-based): chr14:50,247,174, C>T on the plus strand (G>A on the coding strand, the complement: L2HGDH is on the minus strand). VCF-style: chr14-50247174-C-T. GRCh37 (hg19) VCF-style: chr14-50713892-C-T.
Other names: c.1276G>A, p.Gly426Arg (NM_001425212.1); c.1165G>A, p.Gly389Arg (NM_001425213.1, NM_001425214.1); c.730G>A, p.Gly244Arg (NM_001425215.1, NM_001425216.1, NM_001425217.1 and 1 more transcripts); short protein forms G244R, G426R, G389R.
Identifiers: ClinVar variation 2722793 (VCV002722793.1), dbSNP rs754872991, ClinGen allele CA7177753.